The following is an entry in ClinVar:

ClinVar aggregate classification (germline): Uncertain significance. Review status: criteria provided, multiple submitters, no conflicts (2 of 4 stars). 2 submissions from 2 submitters: Uncertain significance (2). Last evaluated 2024-08-22.

Conditions:
Familial adenomatous polyposis 1 (FAP1). Also called: POLYPOSIS, ADENOMATOUS INTESTINAL; FAMILIAL ADENOMATOUS POLYPOSIS 1, ATTENUATED. Identifiers: MedGen C2713442, MONDO:0021056, OMIM 175100. Disease mechanism: loss of function.

Submissions (2):

Labcorp Genetics (formerly Invitae), Labcorp
Classification: Uncertain significance for Familial adenomatous polyposis 1. Last evaluated: 2024-08-22. Review status: criteria provided, single submitter. Criteria: Invitae Variant Classification Sherloc (09022015). Collection method: clinical testing. Allele origin: germline.
Comment: This sequence change replaces alanine, which is neutral and non-polar, with valine, which is neutral and non-polar, at codon 2702 of the APC protein (p.Ala2702Val). This variant is not present in population databases (gnomAD no frequency). This variant has not been reported in the literature in individuals affected with APC-related conditions. ClinVar contains an entry for this variant (Variation ID: 1320789). Invitae Evidence Modeling of protein sequence and biophysical properties (such as structural, functional, and spatial information, amino acid conservation, physicochemical variation, residue mobility, and thermodynamic stability) indicates that this missense variant is not expected to disrupt APC protein function with a negative predictive value of 95%. In summary, the available evidence is currently insufficient to determine the role of this variant in disease. Therefore, it has been classified as a Variant of Uncertain Significance.

GeneDx
Classification: Uncertain significance. Last evaluated: 2019-05-31. Review status: criteria provided, single submitter. Criteria: GeneDx Variant Classification Process June 2021. Collection method: clinical testing. Allele origin: germline. Affected: yes.
Comment: Not observed in large population cohorts (Lek et al., 2016); In silico analysis, which includes protein predictors and evolutionary conservation, supports that this variant does not alter protein structure/function; Has not been previously published as pathogenic or benign to our knowledge

NM_000038.6(APC):c.8105C>T (p.Ala2702Val)

Gene: APC (APC regulator of Wnt signaling pathway; plus strand). Cytogenetic location: 5q22.2.
Variant type: single nucleotide variant.
Coding change: c.8105C>T on transcript NM_000038.6 (MANE Select); coding-DNA position 8105, C replaced by T.
Protein change: p.Ala2702Val; replaces alanine 2702 with valine.
Molecular consequence: missense variant.
Genome position (GRCh38, 1-based): chr5:112,843,699, C>T. VCF-style: chr5-112843699-C-T. GRCh37 (hg19) VCF-style: chr5-112179396-C-T.
Other names: c.8105C>T, p.Ala2702Val (NM_001127510.3, NM_001354895.2); c.8051C>T, p.Ala2684Val (NM_001127511.3); c.8159C>T, p.Ala2720Val (NM_001354896.2); c.8135C>T, p.Ala2712Val (NM_001354897.2); c.8030C>T, p.Ala2677Val (NM_001354898.2); c.8021C>T, p.Ala2674Val (NM_001354899.2); c.7982C>T, p.Ala2661Val (NM_001354900.2); c.7928C>T, p.Ala2643Val (NM_001354901.2); and 5 more; short protein forms A2419V, A2542V, A2576V, A2601V, A2611V, A2643V, A2661V, A2674V.
Identifiers: ClinVar variation 1320789 (VCV001320789.4), dbSNP rs1766644900, ClinGen allele CA16038936.
Genomic context (GRCh38, chr5:112,843,699, plus strand): 5'-TGATTGACAGTGTTTCAGAAAAGGCAAATCCAAACATTAAAGATTCAAAAGATAATCAGG[C>T]AAAACAAAATGTGGGTAATGGCAGTGTTCCCATGCGTACCGTGGGTTTGGAAAATCGCCT-3'
Protein context (NP_000029.2, residues 2692-2712): PNIKDSKDNQ[Ala2702Val]KQNVGNGSVP